The following is an entry in ClinVar:

ClinVar aggregate classification (germline): Uncertain significance. Review status: criteria provided, multiple submitters, no conflicts (2 of 4 stars). 2 submissions from 2 submitters: Uncertain significance (2). Last evaluated 2024-10-19.

Conditions:
Inborn genetic diseases. Identifiers: MedGen C0950123, MeSH D030342.
Cerebellar dysfunction with variable cognitive and behavioral abnormalities (CECBA). Also called: Nonprogressive cerebellar atxia with intellectual disability. Identifiers: Orphanet 314647, MedGen C3553661, MONDO:0013886, OMIM 614756.

Allele frequency attached by ClinVar (database versions not stated): gnomAD exomes below 0.00001 and 0.00001; gnomAD 0.00001; ExAC 0.00002.
gnomAD v4.1: 13 of 1,598,306 alleles (0.00081%); highest among the groups gnomAD compares: Admixed American, 0.0017%; no homozygotes.

Submissions (2):

Ambry Genetics
Classification: Uncertain significance for Inborn genetic diseases. Last evaluated: 2024-10-19. Review status: criteria provided, single submitter. Criteria: Ambry Variant Classification Scheme 2023. Collection method: clinical testing. Allele origin: germline.

Baylor Genetics
Classification: Uncertain significance for Cerebellar dysfunction with variable cognitive and behavioral abnormalities. Last evaluated: 2018-11-16. Review status: criteria provided, single submitter. Criteria: ACMG Guidelines, 2015. Collection method: clinical testing. Allele origin: maternal. Affected: yes.
Comment: This variant was determined to be of uncertain significance according to ACMG Guidelines, 2015 [PMID:25741868].

NM_015215.4(CAMTA1):c.940G>A (p.Glu314Lys)

Gene: CAMTA1 (calmodulin binding transcription activator 1; plus strand). Cytogenetic location: 1p36.23.
Variant type: single nucleotide variant.
Coding change: c.940G>A on transcript NM_015215.4 (MANE Select); coding-DNA position 940, G replaced by A.
Protein change: p.Glu314Lys; replaces glutamic acid 314 with lysine.
Molecular consequence: missense variant.
Genome position (GRCh38, 1-based): chr1:7,663,487, G>A. VCF-style: chr1-7663487-G-A. GRCh37 (hg19) VCF-style: chr1-7723547-G-A.
Other names: c.850G>A, p.Glu284Lys (NM_001349608.2, NM_001349612.2); c.940G>A, p.Glu314Lys (NM_001349609.2, NM_001349610.2); short protein forms E284K, E314K.
Identifiers: ClinVar variation 1031887 (VCV001031887.2), dbSNP rs758739555, ClinGen allele CA566335.
Genomic context (GRCh38, chr1:7,663,487, plus strand): 5'-ACAGGGGGGTACGGGAGCCACTCGGAGGTGCAGCACAATGACGTGTCGGAGGGCAAGCAC[G>A]AGCACAGCCACAGCAAGGGCTCCAGCCGTGAGAAGAGGAACGGCAAGGTGGCCAAGCCCG-3'
Protein context (NP_056030.1, residues 304-324): QHNDVSEGKH[Glu314Lys]HSHSKGSSRE